The following is an entry in ClinVar:

NM_000062.3(SERPING1):c.1193T>G (p.Leu398Arg)

Gene: SERPING1 (serpin family G member 1; plus strand). Cytogenetic location: 11q12.1.
Variant type: single nucleotide variant.
Coding change: c.1193T>G on transcript NM_000062.3 (MANE Select); coding-DNA position 1193, T replaced by G.
Protein change: p.Leu398Arg; replaces leucine 398 with arginine.
Molecular consequence: missense variant.
Genome position (GRCh38, 1-based): chr11:57,611,880, T>G. VCF-style: chr11-57611880-T-G. GRCh37 (hg19) VCF-style: chr11-57379353-T-G.
Other names: c.1193T>G, p.Leu398Arg (NM_001032295.2); short protein forms L398R.
Identifiers: ClinVar variation 1299734 (VCV001299734.3), dbSNP rs1945480328, ClinGen allele CA380703327.

ClinVar aggregate classification (germline): Pathogenic. Review status: criteria provided, single submitter (1 of 4 stars). 2 submissions from 2 submitters: Pathogenic (1). 1 of the submissions does not count toward it. Last evaluated 2024-07-26.

Conditions:
Hereditary angioedema type 1 (HAE1). Identifiers: Orphanet 100050, Orphanet 100051, Orphanet 91378, MedGen C2717906, MONDO:0015053, OMIM 106100.
Hereditary angioedema with C1Inh deficiency. Identifiers: Orphanet 528623, MedGen C4552294, MONDO:0033946.

Submissions (2):

DNA-diagnostics Laboratory, Research Centre For Medical Genetics
Classification: Pathogenic for Hereditary angioedema type 1. Last evaluated: 2024-07-26. Review status: criteria provided, single submitter. Criteria: ACMG Guidelines, 2015. Collection method: research. Allele origin: germline. Inheritance: Autosomal dominant inheritance. Affected: yes. Observed: 2 variant alleles, 2 heterozygotes. Clinical features observed: Angioedema (HP:0100665), C1 esterase inhibitor deficiency.
Comment: The c.1193T>G variant in SERPING1 meets ACMG/ClinGen SVI guidance criteria to be classified as pathogenic: PP4_Str, PM5, PM2_Sup, PP1, PP2, PP3

Peking Union Medical College Hospital
Classification: Likely pathogenic for Hereditary angioedema with C1Inh deficiency. Last evaluated: 2021-09-25. Review status: no assertion criteria provided. Collection method: research. Allele origin: unknown. Affected: yes. Not counted in ClinVar's aggregate classification.